The following is an entry in ClinVar:

NM_020987.5(ANK3):c.5155T>C (p.Ser1719Pro)

Gene: ANK3 (ankyrin 3; minus strand). Cytogenetic location: 10q21.2.
Variant type: single nucleotide variant.
Coding change: c.5155T>C on transcript NM_020987.5 (MANE Select); coding-DNA position 5155, T replaced by C.
Protein change: p.Ser1719Pro; replaces serine 1719 with proline.
Molecular consequence: missense variant. On other transcripts: intron variant (4).
Genome position (GRCh38, 1-based): chr10:60,075,726, A>G on the plus strand (T>C on the coding strand, the complement: ANK3 is on the minus strand). VCF-style: chr10-60075726-A-G. GRCh37 (hg19) VCF-style: chr10-61835484-A-G.
Other names: c.4387+4811T>C (NM_001204403.2); c.4408+4811T>C (NM_001204404.2); c.4405+4811T>C (NM_001320874.2); c.1807+4811T>C (NM_001149.4); short protein forms S1719P.
Identifiers: ClinVar variation 1432415 (VCV001432415.8), dbSNP rs1039438110, ClinGen allele CA207325719.

ClinVar aggregate classification (germline): Uncertain significance (1 of 4 stars; one submission).

Allele frequency attached by ClinVar (database versions not stated): gnomAD exomes below 0.00001 and 0.00001; TOPMed 0.00002.
gnomAD v4.1: 2 of 1,614,142 alleles (0.00012%); highest among the groups gnomAD compares: Admixed American, 0.0033%; no homozygotes.

Submission:

Labcorp Genetics (formerly Invitae), Labcorp
Classification: Uncertain significance. Last evaluated: 2025-10-13. Review status: criteria provided, single submitter. Criteria: Invitae Variant Classification Sherloc (09022015). Collection method: clinical testing. Allele origin: germline.
Comment: This sequence change replaces serine, which is neutral and polar, with proline, which is neutral and non-polar, at codon 1719 of the ANK3 protein (p.Ser1719Pro). This variant is present in population databases (no rsID available, gnomAD 0.003%). This variant has not been reported in the literature in individuals affected with ANK3-related conditions. ClinVar contains an entry for this variant (Variation ID: 1432415). Invitae Evidence Modeling of protein sequence and biophysical properties (such as structural, functional, and spatial information, amino acid conservation, physicochemical variation, residue mobility, and thermodynamic stability) indicates that this missense variant is not expected to disrupt ANK3 protein function with a negative predictive value of 80%. In summary, the available evidence is currently insufficient to determine the role of this variant in disease. Therefore, it has been classified as a Variant of Uncertain Significance.